The following is an entry in ClinVar:

NM_001160148.2(DDHD1):c.1012+647A>C

Gene: DDHD1 (DDHD domain containing 1; minus strand). Cytogenetic location: 14q22.1.
Variant type: single nucleotide variant.
Coding change: c.1012+647A>C on transcript NM_001160148.2 (MANE Select); 647 bases into the intron after coding-DNA position 1012, A replaced by C.
Molecular consequence: intron variant. On other transcripts: missense variant (1).
Genome position (GRCh38, 1-based): chr14:53,103,036, T>G on the plus strand (A>C on the coding strand, the complement: DDHD1 is on the minus strand). VCF-style: chr14-53103036-T-G. GRCh37 (hg19) VCF-style: chr14-53569754-T-G.
Other names: c.1028A>C, p.Tyr343Ser (NM_001160147.2); c.1012+647A>C (NM_030637.3); short protein forms Y343S.
Identifiers: ClinVar variation 847454 (VCV000847454.6), dbSNP rs746698403, ClinGen allele CA7191348.

ClinVar aggregate classification (germline): Uncertain significance (1 of 4 stars; one submission).

Conditions:
Hereditary spastic paraplegia 28. Also called: Spastic paraplegia 28, autosomal recessive. Identifiers: Orphanet 101008, MedGen C1836295, MONDO:0012256, OMIM 609340.

Allele frequency attached by ClinVar (database versions not stated): TOPMed 0.00002; gnomAD exomes 0.00003; ExAC 0.00010.

Submission:

Labcorp Genetics (formerly Invitae), Labcorp
Classification: Uncertain significance for Hereditary spastic paraplegia 28. Last evaluated: 2022-03-19. Review status: criteria provided, single submitter. Criteria: Invitae Variant Classification Sherloc (09022015). Collection method: clinical testing. Allele origin: germline.
Comment: This sequence change replaces tyrosine, which is neutral and polar, with serine, which is neutral and polar, at codon 343 of the DDHD1 protein (p.Tyr343Ser). This variant is present in population databases (rs746698403, gnomAD 0.006%). This variant has not been reported in the literature in individuals affected with DDHD1-related conditions. ClinVar contains an entry for this variant (Variation ID: 847454). Algorithms developed to predict the effect of missense changes on protein structure and function are either unavailable or do not agree on the potential impact of this missense change (SIFT: "Deleterious"; PolyPhen-2: "Benign"; Align-GVGD: "Class C0"). In summary, the available evidence is currently insufficient to determine the role of this variant in disease. Therefore, it has been classified as a Variant of Uncertain Significance.